The following is an entry in ClinVar:

NM_001371596.2(MFSD8):c.850G>T (p.Ala284Ser)

Gene: MFSD8 (major facilitator superfamily domain containing 8; minus strand). Cytogenetic location: 4q28.2.
Variant type: single nucleotide variant.
Coding change: c.850G>T on transcript NM_001371596.2 (MANE Select); coding-DNA position 850, G replaced by T.
Protein change: p.Ala284Ser; replaces alanine 284 with serine.
Molecular consequence: missense variant.
Genome position (GRCh38, 1-based): chr4:127,932,998, C>A on the plus strand (G>T on the coding strand, the complement: MFSD8 is on the minus strand). VCF-style: chr4-127932998-C-A. GRCh37 (hg19) VCF-style: chr4-128854153-C-A.
Other names: c.649G>T, p.Ala217Ser (NM_001363520.3); c.535G>T, p.Ala179Ser (NM_001363521.3); c.715G>T, p.Ala239Ser (NM_001371590.2); c.850G>T, p.Ala284Ser (NM_001371591.2, NM_152778.4); c.856G>T, p.Ala286Ser (NM_001371592.2); c.736G>T, p.Ala246Ser (NM_001371593.2, NM_001410766.1); c.703G>T, p.Ala235Ser (NM_001371594.2); c.568G>T, p.Ala190Ser (NM_001371595.1); and 1 more; short protein forms A179S, A235S, A134S, A190S, A217S, A284S, A286S, A239S.
Identifiers: ClinVar variation 1913209 (VCV001913209.4), dbSNP rs2546093619, ClinGen allele CA358174614.

ClinVar aggregate classification (germline): Uncertain significance (1 of 4 stars; one submission).

Conditions:
Neuronal ceroid lipofuscinosis 7 (CLN7). Also called: MFSD8-Related Neuronal Ceroid-Lipofuscinosis. Identifiers: Orphanet 168491, Orphanet 228366, MedGen C1838571, MONDO:0012588, OMIM 610951.

Submission:

Labcorp Genetics (formerly Invitae), Labcorp
Classification: Uncertain significance for Neuronal ceroid lipofuscinosis 7. Last evaluated: 2024-05-15. Review status: criteria provided, single submitter. Criteria: Invitae Variant Classification Sherloc (09022015). Collection method: clinical testing. Allele origin: germline.
Comment: This sequence change replaces alanine, which is neutral and non-polar, with serine, which is neutral and polar, at codon 284 of the MFSD8 protein (p.Ala284Ser). This variant is not present in population databases (gnomAD no frequency). This variant has not been reported in the literature in individuals affected with MFSD8-related conditions. ClinVar contains an entry for this variant (Variation ID: 1913209). Advanced modeling of protein sequence and biophysical properties (such as structural, functional, and spatial information, amino acid conservation, physicochemical variation, residue mobility, and thermodynamic stability) performed at Invitae indicates that this missense variant is not expected to disrupt MFSD8 protein function with a negative predictive value of 80%. In summary, the available evidence is currently insufficient to determine the role of this variant in disease. Therefore, it has been classified as a Variant of Uncertain Significance.